The following is an entry in ClinVar:

ClinVar aggregate classification (germline): Uncertain significance. Review status: criteria provided, multiple submitters, no conflicts (2 of 4 stars). 2 submissions from 2 submitters: Uncertain significance (2). Last evaluated 2023-12-17.

Conditions:
Hyper-IgE recurrent infection syndrome 3, autosomal recessive. Also called: Autosomal recessive hyper-IgE syndrome due to ZNF341 deficiency; HYPER-IgE SYNDROME 3, AUTOSOMAL RECESSIVE, WITH RECURRENT INFECTIONS. Identifiers: Orphanet 641368, MedGen C4748969, MONDO:0032654, OMIM 618282.

Allele frequency attached by ClinVar (database versions not stated): gnomAD 0.00004 and 0.00005; ExAC 0.00005; gnomAD exomes 0.00005 and 0.00007; TOPMed 0.00006; ESP Exome Variant Server 0.00008.
gnomAD v4.1: 85 of 1,613,934 alleles (0.0053%); highest among the groups gnomAD compares: East Asian, 0.029%; no homozygotes.

Submissions (2):

Labcorp Genetics (formerly Invitae), Labcorp
Classification: Uncertain significance for Combined immunodeficiency due to DOCK8 deficiency. Last evaluated: 2023-12-17. Review status: criteria provided, single submitter. Criteria: Invitae Variant Classification Sherloc (09022015). Collection method: clinical testing. Allele origin: germline.
Comment: This sequence change replaces threonine, which is neutral and polar, with methionine, which is neutral and non-polar, at codon 1659 of the DOCK8 protein (p.Thr1659Met). This variant is present in population databases (rs376049301, gnomAD 0.06%). This variant has not been reported in the literature in individuals affected with DOCK8-related conditions. ClinVar contains an entry for this variant (Variation ID: 1004614). Advanced modeling of protein sequence and biophysical properties (such as structural, functional, and spatial information, amino acid conservation, physicochemical variation, residue mobility, and thermodynamic stability) performed at Invitae indicates that this missense variant is expected to disrupt DOCK8 protein function with a positive predictive value of 80%. In summary, the available evidence is currently insufficient to determine the role of this variant in disease. Therefore, it has been classified as a Variant of Uncertain Significance.

Blueprint Genetics
Classification: Uncertain significance. Last evaluated: 2020-03-14. Review status: criteria provided, single submitter. Criteria: ACMG Guidelines, 2015. Collection method: clinical testing. Allele origin: germline.

NM_203447.4(DOCK8):c.4976C>T (p.Thr1659Met)

Gene: DOCK8 (dedicator of cytokinesis 8; plus strand). Cytogenetic location: 9p24.3.
Variant type: single nucleotide variant.
Coding change: c.4976C>T on transcript NM_203447.4 (MANE Select); coding-DNA position 4976, C replaced by T.
Protein change: p.Thr1659Met; replaces threonine 1659 with methionine.
Molecular consequence: missense variant.
Genome position (GRCh38, 1-based): chr9:434,872, C>T. VCF-style: chr9-434872-C-T. GRCh37 (hg19) VCF-style: chr9-434872-C-T.
Other names: c.4676C>T, p.Thr1559Met (NM_001190458.2); c.4772C>T, p.Thr1591Met (NM_001193536.2); short protein forms T1559M, T1591M, T1659M.
Identifiers: ClinVar variation 1004614 (VCV001004614.6), dbSNP rs376049301, ClinGen allele CA4959262.